The following is an entry in ClinVar:

NM_001042492.3(NF1):c.277T>C (p.Cys93Arg)

Gene: NF1 (neurofibromin 1; plus strand). Cytogenetic location: 17q11.2.
Variant type: single nucleotide variant.
Coding change: c.277T>C on transcript NM_001042492.3 (MANE Select); coding-DNA position 277, T replaced by C.
Protein change: p.Cys93Arg; replaces cysteine 93 with arginine.
Molecular consequence: missense variant.
Genome position (GRCh38, 1-based): chr17:31,159,082, T>C. VCF-style: chr17-31159082-T-C. GRCh37 (hg19) VCF-style: chr17-29486100-T-C.
Other names: c.277T>C, p.Cys93Arg (NM_000267.4, NM_001128147.3); short protein forms C93R.
Identifiers: ClinVar variation 449420 (VCV000449420.11), dbSNP rs1555605398, ClinGen allele CA398989829.

ClinVar aggregate classification (germline): Pathogenic/Likely pathogenic. Review status: criteria provided, multiple submitters, no conflicts (2 of 4 stars). 4 submissions from 4 submitters: Pathogenic (1); Likely pathogenic (3). Last evaluated 2025-08-22.

Conditions:
Hereditary cancer-predisposing syndrome. Also called: Tumor predisposition; Hereditary Cancer Syndrome; Neoplastic Syndromes, Hereditary; Hereditary neoplastic syndrome. Identifiers: Orphanet 140162, MedGen C0027672, MeSH D009386, MONDO:0015356.
Cardiovascular phenotype. Identifiers: MedGen CN230736.
Neurofibromatosis, type 1 (NF1). Also called: VON RECKLINGHAUSEN DISEASE; NEUROFIBROMATOSIS, TYPE I, SOMATIC; Neurofibromatosis, type I; Peripheral type neurofibromatosis. Identifiers: Orphanet 636, MedGen C0027831, MONDO:0018975, OMIM 162200. Disease mechanism: loss of function.

Allele frequency attached by ClinVar (database versions not stated): gnomAD exomes below 0.00001.
gnomAD v4.1: 1 of 1,608,120 alleles (0.000062%); highest among the groups gnomAD compares: Non-Finnish European, 0.000085%; no homozygotes.

Submissions (4):

Labcorp Genetics (formerly Invitae), Labcorp
Classification: Pathogenic for Neurofibromatosis, type 1. Last evaluated: 2025-08-22. Review status: criteria provided, single submitter. Criteria: Invitae Variant Classification Sherloc (09022015). Collection method: clinical testing. Allele origin: germline.
Comment: This sequence change replaces cysteine, which is neutral and slightly polar, with arginine, which is basic and polar, at codon 93 of the NF1 protein (p.Cys93Arg). This variant is not present in population databases (gnomAD no frequency). This missense change has been observed in individual(s) with neurofibromatosis type I (PMID: 17426081, 31370276, 31730495). Invitae Evidence Modeling of clinical and family history, age, sex, and reported ancestry of multiple individuals with this NF1 variant has been performed. This variant is expected to be pathogenic with a positive predictive value of at least 99%. This is a validated machine learning model that incorporates the clinical features of 1,785,918 individuals referred to our laboratory for NF1 testing. ClinVar contains an entry for this variant (Variation ID: 449420). Invitae Evidence Modeling of protein sequence and biophysical properties (such as structural, functional, and spatial information, amino acid conservation, physicochemical variation, residue mobility, and thermodynamic stability) indicates that this missense variant is expected to disrupt NF1 protein function with a positive predictive value of 95%. This variant disrupts the p.Cys93 amino acid residue in NF1. Other variant(s) that disrupt this residue have been determined to be pathogenic (PMID: 10862084, 23668869; internal data). This suggests that this residue is clinically significant, and that variants that disrupt this residue are likely to be disease-causing. For these reasons, this variant has been classified as Pathogenic.

NHS Central & South Genomic Laboratory Hub
Classification: Likely pathogenic for Neurofibromatosis type 1. Last evaluated: 2024-11-11. Review status: criteria provided, single submitter. Criteria: ACMG Guidelines, 2015. Collection method: clinical testing. Allele origin: germline. Affected: yes.

GeneDx
Classification: Likely pathogenic. Last evaluated: 2024-06-03. Review status: criteria provided, single submitter. Criteria: GeneDx Variant Classification Process June 2021. Collection method: clinical testing. Allele origin: germline. Affected: yes.
Comment: Not observed at significant frequency in large population cohorts (gnomAD); In silico analysis supports that this missense variant has a deleterious effect on protein structure/function; This variant is associated with the following publications: (PMID: 24803665, 31730495, 17426081, 31370276)

Ambry Genetics
Classification: Likely pathogenic for Cardiovascular phenotype; Hereditary cancer-predisposing syndrome. Last evaluated: 2018-11-09. Review status: criteria provided, single submitter. Criteria: Ambry Variant Classification Scheme 2023. Collection method: clinical testing. Allele origin: germline.
Comment: The p.C93R variant (also known as c.277T>C), located in coding exon 3 of the NF1 gene, results from a T to C substitution at nucleotide position 277. The cysteine at codon 93 is replaced by arginine, an amino acid with highly dissimilar properties. This alteration was detected in an individual meeting NIH diagnostic criteria for NF1 (Bausch B et al. J. Clin. Endocrinol. Metab., 2007 Jul;92:2784-92). In another study, authors used structural analyses to classify several NF1 alterations and showed that this alteration was predicted to be neutral (Kiel C et al. Mol. Syst. Biol., 2014 May;10:727). This amino acid position is highly conserved in available vertebrate species. In addition, this alteration is predicted to be deleterious by in silico analysis. Based on the majority of available evidence to date, this variant is likely to be pathogenic.

Literature cited by the submitters: PubMed 17426081 (cited by Labcorp Genetics (formerly Invitae), Labcorp); PubMed 31370276 (cited by Labcorp Genetics (formerly Invitae), Labcorp); PubMed 31730495 (cited by Labcorp Genetics (formerly Invitae), Labcorp); PubMed 10862084 (cited by Labcorp Genetics (formerly Invitae), Labcorp); PubMed 23668869 (cited by Labcorp Genetics (formerly Invitae), Labcorp).